The following is an entry in ClinVar:

NM_000094.4(COL7A1):c.3224T>C (p.Val1075Ala)

Gene: COL7A1 (collagen type VII alpha 1 chain; minus strand). Cytogenetic location: 3p21.31.
Variant type: single nucleotide variant.
Coding change: c.3224T>C on transcript NM_000094.4 (MANE Select); coding-DNA position 3224, T replaced by C.
Protein change: p.Val1075Ala; replaces valine 1075 with alanine.
Molecular consequence: missense variant.
Genome position (GRCh38, 1-based): chr3:48,587,024, A>G on the plus strand (T>C on the coding strand, the complement: COL7A1 is on the minus strand). VCF-style: chr3-48587024-A-G. GRCh37 (hg19) VCF-style: chr3-48624457-A-G.
Other names: short protein forms V1075A.
Identifiers: ClinVar variation 903400 (VCV000903400.6), dbSNP rs2045316478, ClinGen allele CA352708614.
Genomic context (GRCh38, chr3:48,587,024, plus strand): 5'-GGCCAAACCTGAACTGCCTGTGGCCCAAGAGGCCCAAGTGCCAACACCAGACGCTCCAGG[A>G]CCCTCCTCGTAGCCTCCGCACGGTGAGCATTGTCTTGAGTGGCATGTGGTAGGAACACCA-3'
Protein context (NP_000085.1, residues 1065-1085): NAHRAEATRR[Val1075Ala]LERLVLALGP

ClinVar aggregate classification (germline): Uncertain significance. Review status: criteria provided, multiple submitters, no conflicts (2 of 4 stars). 2 submissions from 2 submitters: Uncertain significance (2). Last evaluated 2025-08-13.

Conditions:
Epidermolysis bullosa dystrophica. Also called: Dystrophic epidermolysis bullosa; Dystrophic epidermolysis bullosa, Hallopeau-Siemens type (formerly). Identifiers: Orphanet 303, MedGen C0079294, MONDO:0006543.

Allele frequency attached by ClinVar (database versions not stated): gnomAD exomes below 0.00001.
gnomAD v4.1: 1 of 1,605,038 alleles (0.000062%); highest among the groups gnomAD compares: Non-Finnish European, 0.000085%; no homozygotes.

Submissions (2):

Labcorp Genetics (formerly Invitae), Labcorp
Classification: Uncertain significance. Last evaluated: 2025-08-13. Review status: criteria provided, single submitter. Criteria: Invitae Variant Classification Sherloc (09022015). Collection method: clinical testing. Allele origin: germline.
Comment: This sequence change replaces valine, which is neutral and non-polar, with alanine, which is neutral and non-polar, at codon 1075 of the COL7A1 protein (p.Val1075Ala). This variant is not present in population databases (gnomAD no frequency). This variant has not been reported in the literature in individuals affected with COL7A1-related conditions. ClinVar contains an entry for this variant (Variation ID: 903400). Invitae Evidence Modeling of protein sequence and biophysical properties (such as structural, functional, and spatial information, amino acid conservation, physicochemical variation, residue mobility, and thermodynamic stability) indicates that this missense variant is not expected to disrupt COL7A1 protein function with a negative predictive value of 95%. In summary, the available evidence is currently insufficient to determine the role of this variant in disease. Therefore, it has been classified as a Variant of Uncertain Significance.

Illumina Laboratory Services, Illumina
Classification: Uncertain significance for Dystrophic epidermolysis bullosa. Last evaluated: 2018-01-13. Review status: criteria provided, single submitter. Criteria: ICSL Variant Classification Criteria 13 December 2019. Collection method: clinical testing. Allele origin: germline.